The following is an entry in ClinVar:

NM_020937.4(FANCM):c.1760T>C (p.Ile587Thr)

Gene: FANCM (FA complementation group M; plus strand). Cytogenetic location: 14q21.2.
Variant type: single nucleotide variant.
Coding change: c.1760T>C on transcript NM_020937.4 (MANE Select); coding-DNA position 1760, T replaced by C.
Protein change: p.Ile587Thr; replaces isoleucine 587 with threonine.
Molecular consequence: missense variant.
Genome position (GRCh38, 1-based): chr14:45,164,537, T>C. VCF-style: chr14-45164537-T-C. GRCh37 (hg19) VCF-style: chr14-45633740-T-C.
Other names: c.1760T>C (NM_020937.3); c.1682T>C, p.Ile561Thr (NM_001308133.2); c.1760T>C, p.Ile587Thr (NM_001308134.2); short protein forms I587T, I561T.
Identifiers: ClinVar variation 313201 (VCV000313201.19), dbSNP rs147805461, ClinGen allele CA7169144.

ClinVar aggregate classification (germline): Uncertain significance. Review status: criteria provided, multiple submitters, no conflicts (2 of 4 stars). 4 submissions from 4 submitters: Uncertain significance (4). Last evaluated 2026-01-20.

Conditions:
Spermatogenic failure 28. Identifiers: MedGen C4748117, MONDO:0054732, OMIM 618086.
Premature ovarian failure 15. Identifiers: MedGen C4748170, MONDO:0054862, OMIM 618096.
Fanconi anemia (FA). Also called: Fanconi's anemia. Identifiers: Orphanet 84, MedGen C0015625, MeSH D005199, MONDO:0019391.

Allele frequency attached by ClinVar (database versions not stated): gnomAD 0.00007; TOPMed 0.00007; ExAC 0.00010; gnomAD exomes 0.00012; ESP Exome Variant Server 0.00015.
gnomAD v4.1: 187 of 1,613,046 alleles (0.012%); highest among the groups gnomAD compares: Admixed American, 0.048%; no homozygotes.

Submissions (4):

Labcorp Genetics (formerly Invitae), Labcorp
Classification: Uncertain significance for Fanconi anemia. Last evaluated: 2026-01-20. Review status: criteria provided, single submitter. Criteria: Invitae Variant Classification Sherloc (09022015). Collection method: clinical testing. Allele origin: germline.
Comment: This sequence change replaces isoleucine, which is neutral and non-polar, with threonine, which is neutral and polar, at codon 587 of the FANCM protein (p.Ile587Thr). This variant is present in population databases (rs147805461, gnomAD 0.05%). This missense change has been observed in individual(s) with FANCM-related conditions (PMID: 28881617, 37316882). ClinVar contains an entry for this variant (Variation ID: 313201). An algorithm developed to predict the effect of missense changes on protein structure and function (PolyPhen-2) suggests that this variant is likely to be tolerated. In summary, the available evidence is currently insufficient to determine the role of this variant in disease. Therefore, it has been classified as a Variant of Uncertain Significance.

Quest Diagnostics Nichols Institute San Juan Capistrano
Classification: Uncertain significance. Last evaluated: 2024-10-09. Review status: criteria provided, single submitter. Criteria: Quest Diagnostics criteria. Collection method: clinical testing. Allele origin: unknown.
Comment: The FANCM c.1760T>C (p.Ile587Thr) variant has been reported in individuals affected with head and neck squamous cell carcinoma (HNSCC) (PMID: 28678401 (2017)), and in individuals with a personal and/or family history of cancer (PMID: 34326862 (2021)). This variant has also been identified in reportedly healthy individuals (PMID: 28881617 (2017), 29641532 (2018)). The frequency of this variant in the general population, 0.00048 (17/35304 chromosomes (Genome Aggregation Database)), is uninformative in the assessment of its pathogenicity. Analysis of this variant using bioinformatics tools for the prediction of the effect of amino acid changes on protein structure and function yielded predictions that this variant is benign. Based on the available information, we are unable to determine the clinical significance of this variant.

GeneDx
Classification: Uncertain significance. Last evaluated: 2024-07-02. Review status: criteria provided, single submitter. Criteria: GeneDx Variant Classification Process June 2021. Collection method: clinical testing. Allele origin: germline. Affected: yes.
Comment: In silico analysis supports that this missense variant has a deleterious effect on protein structure/function; This variant is associated with the following publications: (PMID: 34326862, 28881617, 28678401)

Fulgent Genetics
Classification: Uncertain significance for Spermatogenic failure 28; Premature ovarian failure 15. Last evaluated: 2021-07-21. Review status: criteria provided, single submitter. Criteria: ACMG Guidelines, 2015. Collection method: clinical testing. Allele origin: unknown.

Literature cited by the submitters: PubMed 28881617 (cited by Labcorp Genetics (formerly Invitae), Labcorp and Quest Diagnostics Nichols Institute San Juan Capistrano); PubMed 37316882 (cited by Labcorp Genetics (formerly Invitae), Labcorp and Quest Diagnostics Nichols Institute San Juan Capistrano); PubMed 34326862 (cited by Quest Diagnostics Nichols Institute San Juan Capistrano); PubMed 28678401 (cited by Quest Diagnostics Nichols Institute San Juan Capistrano); PubMed 29641532 (cited by Quest Diagnostics Nichols Institute San Juan Capistrano).